The following is an entry in ClinVar:

ClinVar aggregate classification (germline): Uncertain significance. Review status: criteria provided, multiple submitters, no conflicts (2 of 4 stars). 2 submissions from 2 submitters: Uncertain significance (2). Last evaluated 2025-05-10.

Conditions:
Baller-Gerold syndrome (BGS). Also called: CRANIOSYNOSTOSIS WITH RADIAL DEFECTS. Identifiers: Orphanet 1225, MedGen C0265308, MONDO:0009039, OMIM 218600.
Inborn genetic diseases. Identifiers: MedGen C0950123, MeSH D030342.

Allele frequency attached by ClinVar (database versions not stated): gnomAD exomes below 0.00001.

Submissions (2):

Ambry Genetics
Classification: Uncertain significance for Inborn genetic diseases. Last evaluated: 2025-05-10. Review status: criteria provided, single submitter. Criteria: Ambry Variant Classification Scheme 2023. Collection method: clinical testing. Allele origin: germline.
Comment: The p.P730S variant (also known as c.2188C>T), located in coding exon 13 of the RECQL4 gene, results from a C to T substitution at nucleotide position 2188. The proline at codon 730 is replaced by serine, an amino acid with similar properties. This amino acid position is conserved. In addition, this alteration is predicted to be tolerated by in silico analysis. Based on the available evidence, the clinical significance of this variant remains unclear.

Labcorp Genetics (formerly Invitae), Labcorp
Classification: Uncertain significance for Baller-Gerold syndrome. Last evaluated: 2021-05-18. Review status: criteria provided, single submitter. Criteria: Invitae Variant Classification Sherloc (09022015). Collection method: clinical testing. Allele origin: germline.
Comment: In summary, the available evidence is currently insufficient to determine the role of this variant in disease. Therefore, it has been classified as a Variant of Uncertain Significance. Algorithms developed to predict the effect of missense changes on protein structure and function are either unavailable or do not agree on the potential impact of this missense change (SIFT: "Tolerated"; PolyPhen-2: "Not Available"; Align-GVGD: "Class C0"). The serine amino acid residue is found in multiple mammalian species, suggesting that this missense change does not adversely affect protein function. These predictions have not been confirmed by published functional studies and their clinical significance is uncertain. This variant has not been reported in the literature in individuals with RECQL4-related conditions. This variant is not present in population databases (ExAC no frequency). This sequence change replaces proline with serine at codon 730 of the RECQL4 protein (p.Pro730Ser). The proline residue is moderately conserved and there is a moderate physicochemical difference between proline and serine.

NM_004260.4(RECQL4):c.2188C>T (p.Pro730Ser)

Gene: RECQL4 (RecQ like helicase 4; minus strand). Cytogenetic location: 8q24.3.
Variant type: single nucleotide variant.
Coding change: c.2188C>T on transcript NM_004260.4 (MANE Select); coding-DNA position 2188, C replaced by T.
Protein change: p.Pro730Ser; replaces proline 730 with serine.
Molecular consequence: missense variant.
Genome position (GRCh38, 1-based): chr8:144,513,583, G>A on the plus strand (C>T on the coding strand, the complement: RECQL4 is on the minus strand). VCF-style: chr8-144513583-G-A. GRCh37 (hg19) VCF-style: chr8-145738967-G-A.
Other names: short protein forms P730S.
Identifiers: ClinVar variation 838743 (VCV000838743.6), dbSNP rs1209776908, ClinGen allele CA372679598.